The following is an entry in ClinVar:

NM_001009944.3(PKD1):c.12171C>T (p.Ser4057=)

Gene: PKD1 (polycystin 1, transient receptor potential channel interacting; minus strand). Cytogenetic location: 16p13.3.
Variant type: single nucleotide variant.
Coding change: c.12171C>T on transcript NM_001009944.3 (MANE Select); coding-DNA position 12171, C replaced by T.
Protein change: p.Ser4057=; no amino-acid change (serine 4057 retained).
Molecular consequence: synonymous variant.
Genome position (GRCh38, 1-based): chr16:2,090,558, G>A on the plus strand (C>T on the coding strand, the complement: PKD1 is on the minus strand). VCF-style: chr16-2090558-G-A. GRCh37 (hg19) VCF-style: chr16-2140559-G-A.
Other names: c.12168C>T, p.Ser4056= (NM_000296.4).
Identifiers: ClinVar variation 997104 (VCV000997104.1), dbSNP rs140154490, ClinGen allele CA7828740.
Genomic context (GRCh38, chr16:2,090,558, plus strand): 5'-GGCAGGACACAGGGTAGAGAGCCCAGTCCCAGGGCACAGCACCAACAGGGCCTGGGCCAC[G>A]CTCCAGAGGGAGTCCACACAGGAAGACACGAGCTGCGGGGAAGGCGACACCAGTGAGGGC-3'
Protein context (NP_001009944.3, residues 4047-4067): LVSSCVDSLW[Ser4057=]VAQALLVLCP

ClinVar aggregate classification (germline): Uncertain significance (0 of 4 stars; one submission).

Conditions:
Polycystic kidney disease. Also called: Polycystic kidney dysplasia; Kidney, Polycystic. Identifiers: MedGen C0022680, MeSH D007690, MONDO:0020642, HP:0000113.

Allele frequency attached by ClinVar (database versions not stated): ExAC 0.00004; gnomAD exomes 0.00004; gnomAD 0.00006; TOPMed 0.00008; 1000 Genomes Project 30x 0.00016; 1000 Genomes Project 0.00020; ESP Exome Variant Server 0.00023.
gnomAD v4.1: 26 of 1,609,102 alleles (0.0016%); highest among the groups gnomAD compares: African/African-American, 0.025%; no homozygotes.

Submission:

Department of Pathology and Laboratory Medicine, Sinai Health System
Classification: Uncertain significance for Polycystic Kidney disease. Review status: no assertion criteria provided. Collection method: clinical testing. Allele origin: unknown. Affected: yes. Study: The Canadian Open Genetics Repository (COGR).
Comment: The PKD1 p.Ser4057= variant was not identified in the literature nor was it identified in the following databases: ClinVar, GeneInsight-COGR, LOVD 3.0, ADPKD Mutation Database, or PKD1-LOVD. The variant was identified in dbSNP (ID: rs140154490) and in control databases in 8 of 236138 chromosomes at a frequency of 0.00003 (Genome Aggregation Database Feb 27, 2017). Breakdown of the observations by population include African in 5 of 14692 chromosomes (freq: 0.0003), European in 1 of 106650 chromosomes (freq: 0.000009), East Asian in 1 of 17050 chromosomes (freq: 0.00006), and South Asian in 1 of 30570 chromosomes (freq: 0.00003). The variant was not observed in the Other, Latino, Ashkenazi Jewish, or Finnish populations. The p.Ser4057= variant is not expected to have clinical significance because it does not result in a change of amino acid and is not located in a known consensus splice site. In addition, 1 of 5 in silico or computational prediction software programs (SpliceSiteFinder, MaxEntScan, NNSPLICE, GeneSplicer, HumanSpliceFinder) predict a greater than 10% difference in splicing. In summary, based on the above information the clinical significance of this variant cannot be determined with certainty at this time. This variant is classified as a variant of uncertain significance.